The following is an entry in ClinVar:

NM_001277058.2(ERCC6):c.1659C>T (p.Asp553=)

Genes: ERCC6 (ERCC excision repair 6, chromatin remodeling factor; minus strand), PGBD3 (piggyBac transposable element derived 3; minus strand). Cytogenetic location: 10q11.23.
Variant type: single nucleotide variant.
Coding change: c.1659C>T on transcript NM_001277058.2 (MANE Plus Clinical); coding-DNA position 1659, C replaced by T.
Protein change: p.Asp553=; no amino-acid change (aspartic acid 553 retained).
Molecular consequence: synonymous variant. On other transcripts: intron variant (2).
Genome position (GRCh38, 1-based): chr10:49,516,860, G>A on the plus strand (C>T on the coding strand, the complement: ERCC6 is on the minus strand). VCF-style: chr10-49516860-G-A. GRCh37 (hg19) VCF-style: chr10-50724906-G-A.
Other names: c.1659C>T, p.Asp553= (NM_001277059.2); c.255C>T, p.Asp85= (NM_170753.3); c.1397+7173C>T (NM_001346440.2, NM_000124.4).
Identifiers: ClinVar variation 5039938 (VCV005039938.1).
Genomic context (GRCh38, chr10:49,516,860, plus strand): 5'-CCTCCTCCTTGATGGTGGAGGTTGCTGCACAGTAAACGTAGATGGAACTTCATCAGGAGA[G>A]TCATCTTTAGGTGCGTATGAGGGATCATCTGAGTCAGACTCAGCATCAGAGCCATCTTGA-3'
Protein context (NP_001263987.1, residues 543-563): SDDPSYAPKD[Asp553=]SPDEVPSTFT

ClinVar aggregate classification (germline): Likely benign (1 of 4 stars; one submission).

gnomAD v4.1: 3 of 1,614,042 alleles (0.00019%); no homozygotes.

Submission:

CeGaT Center for Human Genetics Tuebingen
Classification: Likely benign. Last evaluated: 2026-07-01. Review status: criteria provided, single submitter. Criteria: CeGaT Center For Human Genetics Tuebingen Variant Classification Criteria Version 2. Collection method: clinical testing. Allele origin: germline. Affected: yes. Observed: 1 variant allele.
Comment: PGBD3: BP4, BP7; ERCC6: BP4, BP7